The following is an entry in ClinVar:

ClinVar aggregate classification (germline): Conflicting classifications of pathogenicity. Review status: criteria provided, conflicting classifications (1 of 4 stars). 15 submissions from 14 submitters: Uncertain significance (2); Benign (7); Likely benign (1). 5 of the submissions do not count toward it. Last evaluated 2026-09-01.

Conditions:
Cardiomyopathy (CMYO). Also called: Cardiomyopathies. Identifiers: Orphanet 167848, MedGen C0878544, MONDO:0004994, HP:0001638. Inheritance: Various modes of inheritance.
Hypertrichotic osteochondrodysplasia Cantu type. Also called: Cantú Syndrome; Cantu Syndrome. Identifiers: Orphanet 1517, MedGen C0795905, MONDO:0009406, OMIM 239850.
Dilated cardiomyopathy 1O (CMD1O). Also called: CARDIOMYOPATHY, DILATED, WITH VENTRICULAR TACHYCARDIA. Identifiers: Orphanet 154, MedGen C1837839, MONDO:0012062, OMIM 608569.

Allele frequency attached by ClinVar (database versions not stated): 1000 Genomes Project 30x 0.00078; 1000 Genomes Project 0.00100; ESP Exome Variant Server 0.00223; gnomAD 0.00202 and 0.00209; ExAC 0.00205; gnomAD exomes 0.00209; TOPMed 0.00226.
gnomAD v4.1: 3,325 of 1,606,382 alleles (0.21%); highest among the groups gnomAD compares: Admixed American, 0.25%; 9 homozygotes.

Submissions (15):

CeGaT Center for Human Genetics Tuebingen
Classification: Likely benign. Last evaluated: 2026-09-01. Review status: criteria provided, single submitter. Criteria: CeGaT Center For Human Genetics Tuebingen Variant Classification Criteria Version 2. Collection method: clinical testing. Allele origin: germline. Affected: yes. Observed: 25 variant alleles.
Comment: ABCC9: BP4, BP7

Labcorp Genetics (formerly Invitae), Labcorp
Classification: Benign for Dilated cardiomyopathy 1O. Last evaluated: 2026-02-01. Review status: criteria provided, single submitter. Criteria: Invitae Variant Classification Sherloc (09022015). Collection method: clinical testing. Allele origin: germline.

Blueprint Genetics
Classification: Benign. Last evaluated: 2024-11-27. Review status: criteria provided, single submitter. Criteria: ACMG Guidelines, 2015. Collection method: clinical testing. Allele origin: germline.

Mayo Clinic Laboratories, Mayo Clinic
Classification: Benign. Last evaluated: 2024-04-24. Review status: criteria provided, single submitter. Criteria: ACMG Guidelines, 2015. Collection method: clinical testing. Allele origin: germline. Observed: 4 variant alleles.
Comment: BS1, BS2, BP4, BP7

ARUP Laboratories, Molecular Genetics and Genomics, ARUP Laboratories
Classification: Benign. Last evaluated: 2023-10-09. Review status: criteria provided, single submitter. Criteria: ARUP Molecular Germline Variant Investigation Process 2024. Collection method: clinical testing. Allele origin: germline.

Illumina Laboratory Services, Illumina
Classification: Uncertain significance for Hypertrichotic osteochondrodysplasia Cantu type. Last evaluated: 2018-01-13. Review status: criteria provided, single submitter. Criteria: ICSL Variant Classification Criteria 13 December 2019. Collection method: clinical testing. Allele origin: germline.

Illumina Laboratory Services, Illumina
Classification: Uncertain significance for Dilated cardiomyopathy 1O. Last evaluated: 2018-01-13. Review status: criteria provided, single submitter. Criteria: ICSL Variant Classification Criteria 13 December 2019. Collection method: clinical testing. Allele origin: germline.

CHEO Genetics Diagnostic Laboratory, Children's Hospital of Eastern Ontario
Classification: Benign for Cardiomyopathy. Last evaluated: 2017-03-29. Review status: criteria provided, single submitter. Criteria: ACMG Guidelines, 2015. Collection method: clinical testing. Allele origin: germline. Study: Canadian Open Genetics Repository.

GeneDx
Classification: Benign. Last evaluated: 2014-06-16. Review status: criteria provided, single submitter. Criteria: GeneDx Variant Classification (06012015). Collection method: clinical testing. Allele origin: germline. Affected: yes.
Comment: This variant is considered likely benign or benign based on one or more of the following criteria: it is a conservative change, it occurs at a poorly conserved position in the protein, it is predicted to be benign by multiple in silico algorithms, and/or has population frequency not consistent with disease.

Laboratory for Molecular Medicine, Mass General Brigham Personalized Medicine
Classification: Benign. Last evaluated: 2012-01-31. Review status: criteria provided, single submitter. Criteria: LMM Criteria. Collection method: clinical testing. Allele origin: germline. Observed: 24 variant alleles.
Comment: Leu1256Leu in exon 30 of ABCC9: This variant is classified as benign based on i ts high frequency in the general population.

Women's Health and Genetics/Laboratory Corporation of America, LabCorp
Classification: Benign for Cardiomyopathy. Last evaluated: 2015-06-04. Review status: no assertion criteria provided. Collection method: clinical testing. Allele origin: germline. Not counted in ClinVar's aggregate classification.

Clinical Genetics DNA and cytogenetics Diagnostics Lab, Erasmus MC, Erasmus Medical Center
Classification: Likely benign. Review status: no assertion criteria provided. Collection method: clinical testing. Allele origin: germline. Affected: yes. Study: VKGL Data-share Consensus. Not counted in ClinVar's aggregate classification.

Clinical Genetics, Academic Medical Center
Classification: Benign. Review status: no assertion criteria provided. Collection method: clinical testing. Allele origin: germline. Affected: yes. Study: VKGL Data-share Consensus. Not counted in ClinVar's aggregate classification.

Diagnostic Laboratory, Department of Genetics, University Medical Center Groningen
Classification: Likely benign. Review status: no assertion criteria provided. Collection method: clinical testing. Allele origin: germline. Affected: yes. Study: VKGL Data-share Consensus. Not counted in ClinVar's aggregate classification.

Genome Diagnostics Laboratory, University Medical Center Utrecht
Classification: Likely benign. Review status: no assertion criteria provided. Collection method: clinical testing. Allele origin: germline. Affected: yes. Study: VKGL Data-share Consensus. Not counted in ClinVar's aggregate classification.

NM_020297.4(ABCC9):c.3768T>C (p.Leu1256=)

Genes: KCNJ8-AS1 (KCNJ8 antisense RNA 1; plus strand), ABCC9 (ATP binding cassette subfamily C member 9; minus strand). Cytogenetic location: 12p12.1.
Variant type: single nucleotide variant.
Coding change: c.3768T>C on transcript NM_020297.4 (MANE Select); coding-DNA position 3768, T replaced by C.
Protein change: p.Leu1256=; no amino-acid change (leucine 1256 retained).
Molecular consequence: synonymous variant.
Genome position (GRCh38, 1-based): chr12:21,818,153, A>G on the plus strand (T>C on the coding strand, the complement: ABCC9 is on the minus strand). VCF-style: chr12-21818153-A-G. GRCh37 (hg19) VCF-style: chr12-21971087-A-G.
Other names: p.L1256L:CTT>CTC; p.Leu1256=; c.3768T>C, p.Leu1256= (NM_001377273.1, NM_005691.4); c.2901T>C, p.Leu967= (NM_001377274.1).
Identifiers: ClinVar variation 35633 (VCV000035633.61), dbSNP rs150303433, ClinGen allele CA282554.